The following is an entry in ClinVar:

ClinVar aggregate classification (germline): Likely pathogenic (1 of 4 stars; one submission).

Conditions:
Hypertrophic cardiomyopathy. Also called: HYPERTROPHIC MYOCARDIOPATHY. Identifiers: Orphanet 217569, MedGen C0007194, MeSH D002312, MONDO:0005045, HP:0001639.

Submission:

Labcorp Genetics (formerly Invitae), Labcorp
Classification: Likely pathogenic for Hypertrophic cardiomyopathy. Last evaluated: 2024-10-13. Review status: criteria provided, single submitter. Criteria: Invitae Variant Classification Sherloc (09022015). Collection method: clinical testing. Allele origin: germline.
Comment: This sequence change replaces arginine, which is basic and polar, with proline, which is neutral and non-polar, at codon 870 of the MYH7 protein (p.Arg870Pro). This variant is not present in population databases (gnomAD no frequency). This missense change has been observed in individual(s) with hypertrophic cardiomyopathy (internal data). ClinVar contains an entry for this variant (Variation ID: 1466720). Invitae Evidence Modeling of protein sequence and biophysical properties (such as structural, functional, and spatial information, amino acid conservation, physicochemical variation, residue mobility, and thermodynamic stability) indicates that this missense variant is expected to disrupt MYH7 protein function with a positive predictive value of 95%. This variant disrupts the p.Arg870 amino acid residue in MYH7. Other variant(s) that disrupt this residue have been determined to be pathogenic (PMID: 7796500, 10725281, 12974739, 17125710). This suggests that this residue is clinically significant, and that variants that disrupt this residue are likely to be disease-causing. In summary, the currently available evidence indicates that the variant is pathogenic, but additional data are needed to prove that conclusively. Therefore, this variant has been classified as Likely Pathogenic.

Literature cited by the submitters: PubMed 7796500; PubMed 10725281; PubMed 12974739; PubMed 17125710.

NM_000257.4(MYH7):c.2609G>C (p.Arg870Pro)

Genes: MYH7 (myosin heavy chain 7; minus strand), LOC126861898 (BRD4-independent group 4 enhancer GRCh37_chr14:23893609-23894808; plus strand). Cytogenetic location: 14q11.2.
Variant type: single nucleotide variant.
Coding change: c.2609G>C on transcript NM_000257.4 (MANE Select); coding-DNA position 2609, G replaced by C.
Protein change: p.Arg870Pro; replaces arginine 870 with proline.
Molecular consequence: missense variant.
Genome position (GRCh38, 1-based): chr14:23,424,839, C>G on the plus strand (G>C on the coding strand, the complement: MYH7 is on the minus strand). VCF-style: chr14-23424839-C-G. GRCh37 (hg19) VCF-style: chr14-23894048-C-G.
Other names: short protein forms R870P.
Identifiers: ClinVar variation 1466720 (VCV001466720.8), dbSNP rs36211715, ClinGen allele CA389048020.